The following is an entry in ClinVar:

NC_000002.11:g.(?_32361622)_(32379575_?)del

Gene: SPAST (spastin; plus strand). Cytogenetic location: 2p22.3.
Variant type: Deletion.
Identifiers: ClinVar variation 1072248 (VCV001072248.3).

ClinVar aggregate classification (germline): Pathogenic (1 of 4 stars; one submission).

Conditions:
Hereditary spastic paraplegia 4. Also called: Spastic paraplegia 4, autosomal dominant; Spastic Paraplegia 4; Familial spastic paraplegia autosomal dominant 2. Identifiers: Orphanet 100985, MedGen C1866855, MONDO:0008438, OMIM 182601.

Submission:

Labcorp Genetics (formerly Invitae), Labcorp
Classification: Pathogenic for Hereditary spastic paraplegia 4. Last evaluated: 2020-06-28. Review status: criteria provided, single submitter. Criteria: Invitae Variant Classification Sherloc (09022015). Collection method: clinical testing. Allele origin: germline.
Comment: This variant is a gross deletion of the genomic region encompassing exon(s) 10-17 of the SPAST gene. The 5' boundary is likely confined to intron 9. The 3' end of this event is unknown as it extends through the termination codon beyond the assayed region for this gene and may encompass additional genes. While this deletion is not anticipated to result in nonsense mediated decay, it is expected to create a truncated protein product or disrupt mRNA translation. This variant has been observed in individual(s) with hereditary spastic paraplegia (PMID: 24824479, 22203332; Invitae). For these reasons, this variant has been classified as Pathogenic.

Literature cited by the submitters: PubMed 24824479; PubMed 22203332.